The following is an entry in ClinVar:

ClinVar aggregate classification (germline): Uncertain significance (1 of 4 stars; one submission).

Allele frequency attached by ClinVar (database versions not stated): gnomAD 0.00001; gnomAD exomes 0.00001 and 0.00003; ExAC 0.00003.

Submissions (5):

Labcorp Genetics (formerly Invitae), Labcorp
Classification: Uncertain significance. Last evaluated: 2018-05-16. Review status: criteria provided, single submitter. Criteria: Invitae Variant Classification Sherloc (09022015). Collection method: clinical testing. Allele origin: germline.
Comment: In summary, the available evidence is currently insufficient to determine the role of this variant in disease. Therefore, it has been classified as a Variant of Uncertain Significance. Algorithms developed to predict the effect of sequence changes on RNA splicing suggest that this variant may create or strengthen a splice site, but this prediction has not been confirmed by published transcriptional studies. Algorithms developed to predict the effect of missense changes on protein structure and function (SIFT, PolyPhen-2, Align-GVGD) all suggest that this variant is likely to be tolerated, but these predictions have not been confirmed by published functional studies and their clinical significance is uncertain. This variant has not been reported in the literature in individuals with THOC2-related disease. The frequency data for this variant in the population databases is considered unreliable, as metrics indicate poor data quality at this position in the ExAC database. This sequence change replaces arginine with glutamine at codon 29 of the THOC2 protein (p.Arg29Gln). The arginine residue is weakly conserved and there is a small physicochemical difference between arginine and glutamine.

Dr. Peter K. Rogan Lab, Western University
No classification provided (evidence only). Condition: Nonpapillary renal cell carcinoma. Review status: no classification provided. Collection method: in vitro. Allele origin: not applicable. Functional consequence: retained intron. Not counted in ClinVar's aggregate classification.

Dr. Peter K. Rogan Lab, Western University
No classification provided (evidence only). Condition: Nonpapillary renal cell carcinoma. Review status: no classification provided. Collection method: in vitro. Allele origin: not applicable. Functional consequence: retained intron. Not counted in ClinVar's aggregate classification.

Dr. Peter K. Rogan Lab, Western University
No classification provided (evidence only). Condition: Nonpapillary renal cell carcinoma. Review status: no classification provided. Collection method: in vitro. Allele origin: not applicable. Functional consequence: retained intron. Not counted in ClinVar's aggregate classification.

Dr. Peter K. Rogan Lab, Western University
No classification provided (evidence only). Condition: Nonpapillary renal cell carcinoma. Review status: no classification provided. Collection method: in vitro. Allele origin: not applicable. Functional consequence: retained intron. Not counted in ClinVar's aggregate classification.

NM_001081550.2(THOC2):c.86G>A (p.Arg29Gln)

Gene: THOC2 (THO complex subunit 2; minus strand). Cytogenetic location: Xq25.
Variant type: single nucleotide variant.
Coding change: c.86G>A on transcript NM_001081550.2 (MANE Select); coding-DNA position 86, G replaced by A.
Protein change: p.Arg29Gln; replaces arginine 29 with glutamine.
Molecular consequence: missense variant.
Genome position (GRCh38, 1-based): chrX:123,712,894, C>T on the plus strand (G>A on the coding strand, the complement: THOC2 is on the minus strand). VCF-style: chrX-123712894-C-T. GRCh37 (hg19) VCF-style: chrX-122846744-C-T.
Other names: short protein forms R29Q.
Identifiers: ClinVar variation 1053108 (VCV001053108.10), dbSNP rs773147391, ClinGen allele CA10507949.
Genomic context (GRCh38, chrX:123,712,894, plus strand): 5'-CTTTTAAAAATCTTACCTCTGTATGTTGAACTATCATGGCTTTTATTTTCACTGAGGATC[C>T]GACATAAATGCAAACTAGAATAAAATAGAAAACATGTATTTCAATTTCCACCCTAACATG-3'
Protein context (NP_001075019.1, residues 19-39): SGRGEFLHLC[Arg29Gln]ILSENKSHDS